The following is an entry in ClinVar:

ClinVar aggregate classification (germline): Pathogenic/Likely pathogenic. Review status: criteria provided, multiple submitters, no conflicts (2 of 4 stars). 2 submissions from 2 submitters: Pathogenic (1); Likely pathogenic (1). Last evaluated 2023-06-19.

Conditions:
Aortic aneurysm, familial thoracic 6 (AAT6). Also called: FAMILIAL THORACIC AORTIC ANEURYSM WITH LIVEDO RETICULARIS AND IRIS FLOCCULI. Identifiers: MedGen C2673186, MONDO:0012730, OMIM 611788.

Submissions (2):

Labcorp Genetics (formerly Invitae), Labcorp
Classification: Pathogenic for Aortic aneurysm, familial thoracic 6. Last evaluated: 2023-06-19. Review status: criteria provided, single submitter. Criteria: Invitae Variant Classification Sherloc (09022015). Collection method: clinical testing. Allele origin: germline.
Comment: For these reasons, this variant has been classified as Pathogenic. This variant disrupts the p.Arg149 amino acid residue in ACTA2. Other variant(s) that disrupt this residue have been determined to be pathogenic (PMID: 19409525, 21212136, 21248741, 24020716, 25644172). This suggests that this residue is clinically significant, and that variants that disrupt this residue are likely to be disease-causing. Advanced modeling of protein sequence and biophysical properties (such as structural, functional, and spatial information, amino acid conservation, physicochemical variation, residue mobility, and thermodynamic stability) performed at Invitae indicates that this missense variant is not expected to disrupt ACTA2 protein function. ClinVar contains an entry for this variant (Variation ID: 199671). This missense change has been observed in individual(s) with clinical features of ACTA2-related conditions (Invitae). In at least one individual the variant was observed to be de novo. This variant is not present in population databases (gnomAD no frequency). This sequence change replaces arginine, which is basic and polar, with leucine, which is neutral and non-polar, at codon 149 of the ACTA2 protein (p.Arg149Leu).

GeneDx
Classification: Likely pathogenic. Last evaluated: 2016-12-15. Review status: criteria provided, single submitter. Criteria: GeneDx Variant Classification (06012015). Collection method: clinical testing. Allele origin: germline. Affected: yes.
Comment: p.Arg149Leu (CGC>CTC): c.446 G>T in exon 5 of the ACTA2 gene (NM_001613.2)While the R149L mutation in the ACTA2 gene has not been reported to our knowledge, a mutation affecting this same residue, R149C, has been reported in association with TAAD (Morisaki H et al., 2009; Guo DC et al., 2009). Additionally, mutations in nearby residues (Y145C, V154A) have been reported in association with TAAD, further supporting the functional importance of this residue and this region of the protein. R149L results in a non-conservative amino acid substitution of Laucine at a position that is highly conserved across species. In silico analysis predicts R149L is damaging to the protein structure/function. Furthermore, R149L was not observed in approximately 6500 individuals of European and African American ancestry in the NHLBI Exome Sequencing Project, indicating it is not a common benign variant in these populations.In summary, R149L in the ACTA2 gene is interpreted as a likely disease-causing mutation. The variant is found in TAAD panel(s).

Literature cited by the submitters: PubMed 19409525 (cited by Labcorp Genetics (formerly Invitae), Labcorp); PubMed 21212136 (cited by Labcorp Genetics (formerly Invitae), Labcorp); PubMed 21248741 (cited by Labcorp Genetics (formerly Invitae), Labcorp); PubMed 24020716 (cited by Labcorp Genetics (formerly Invitae), Labcorp); PubMed 25644172 (cited by Labcorp Genetics (formerly Invitae), Labcorp).

NM_001613.4(ACTA2):c.446G>T (p.Arg149Leu)

Gene: ACTA2 (actin alpha 2, smooth muscle; minus strand). Cytogenetic location: 10q23.31.
Variant type: single nucleotide variant.
Coding change: c.446G>T on transcript NM_001613.4 (MANE Select); coding-DNA position 446, G replaced by T.
Protein change: p.Arg149Leu; replaces arginine 149 with leucine.
Molecular consequence: missense variant.
Genome position (GRCh38, 1-based): chr10:88,941,793, C>A on the plus strand (G>T on the coding strand, the complement: ACTA2 is on the minus strand). VCF-style: chr10-88941793-C-A. GRCh37 (hg19) VCF-style: chr10-90701550-C-A.
Other names: p.R149L:CGC>CTC; c.446G>T, p.Arg149Leu (NM_001141945.3, NM_001320855.2, NM_001406462.1 and 3 more transcripts); c.335G>T, p.Arg112Leu (NM_001406466.1); c.317G>T, p.Arg106Leu (NM_001406467.1, NM_001406468.1, NM_001406469.1); short protein forms R149L, R106L, R112L.
Identifiers: ClinVar variation 199671 (VCV000199671.7), dbSNP rs794728025, ClinGen allele CA006944.
Genomic context (GRCh38, chr10:88,941,793, plus strand): 5'-CCATCTCTGGCAGTGCGCTCCAACCAGCTTGCTGTCCCGCCCAGCCACCTACCAGTTGTG[C>A]GTCCAGAGGCATAGAGAGACAGCACCGCCTGGATAGCCACATACATGGCTGGGACATTGA-3'
Protein context (NP_001604.1, residues 139-159): QAVLSLYASG[Arg149Leu]TTGIVLDSGD